The following is an entry in ClinVar:

ClinVar aggregate classification (germline): Uncertain significance (1 of 4 stars; one submission).

Conditions:
Familial hemophagocytic lymphohistiocytosis 4 (FHL4). Also called: STX11-Related Familial Hemophagocytic Lymphohistiocytosis (STX11-fHLH). Identifiers: Orphanet 540, MedGen C1863728, MONDO:0011336, OMIM 603552.

Submission:

Labcorp Genetics (formerly Invitae), Labcorp
Classification: Uncertain significance for Familial hemophagocytic lymphohistiocytosis 4. Last evaluated: 2022-09-13. Review status: criteria provided, single submitter. Criteria: Invitae Variant Classification Sherloc (09022015). Collection method: clinical testing. Allele origin: germline.
Comment: This sequence change replaces valine, which is neutral and non-polar, with methionine, which is neutral and non-polar, at codon 188 of the STX11 protein (p.Val188Met). This variant is not present in population databases (gnomAD no frequency). This variant has not been reported in the literature in individuals affected with STX11-related conditions. ClinVar contains an entry for this variant (Variation ID: 1434861). Advanced modeling of protein sequence and biophysical properties (such as structural, functional, and spatial information, amino acid conservation, physicochemical variation, residue mobility, and thermodynamic stability) performed at Invitae indicates that this missense variant is not expected to disrupt STX11 protein function. In summary, the available evidence is currently insufficient to determine the role of this variant in disease. Therefore, it has been classified as a Variant of Uncertain Significance.

NM_003764.4(STX11):c.562G>A (p.Val188Met)

Gene: STX11 (syntaxin 11; plus strand). Cytogenetic location: 6q24.2.
Variant type: single nucleotide variant.
Coding change: c.562G>A on transcript NM_003764.4 (MANE Select); coding-DNA position 562, G replaced by A.
Protein change: p.Val188Met; replaces valine 188 with methionine.
Molecular consequence: missense variant.
Genome position (GRCh38, 1-based): chr6:144,187,189, G>A. VCF-style: chr6-144187189-G-A. GRCh37 (hg19) VCF-style: chr6-144508326-G-A.
Other names: short protein forms V188M.
Identifiers: ClinVar variation 1434861 (VCV001434861.6), dbSNP rs2128757269, ClinGen allele CA365949520.